The following is an entry in ClinVar:

ClinVar aggregate classification (germline): Benign. Review status: criteria provided, multiple submitters, no conflicts (2 of 4 stars). 2 submissions from 2 submitters: Benign (2). Last evaluated 2018-01-12.

Conditions:
Cataract 5 multiple types (CTRCT5). Also called: Lamellar cataract; CATARACT 5, LAMELLAR; CATARACT, MARNER TYPE. Identifiers: Orphanet 91492, MedGen C0266537, MONDO:0007290, OMIM 116800, HP:0007971.

Allele frequency attached by ClinVar (database versions not stated): gnomAD 0.00133 and 0.00143; ExAC 0.00144; ESP Exome Variant Server 0.00056; 1000 Genomes Project 0.00060; gnomAD exomes 0.00134; TOPMed 0.00137; 1000 Genomes Project 30x 0.00031.
gnomAD v4.1: 2,831 of 1,536,280 alleles (0.18%); highest among the groups gnomAD compares: Non-Finnish European, 0.23%; 5 homozygotes.

Submissions (2):

Illumina Laboratory Services, Illumina
Classification: Benign for Cataract 5 multiple types. Last evaluated: 2018-01-12. Review status: criteria provided, single submitter. Criteria: ICSL Variant Classification Criteria 13 December 2019. Collection method: clinical testing. Allele origin: germline.
Comment: This variant was observed in the ICSL laboratory as part of a predisposition screen in an ostensibly healthy population. It had not been previously curated by ICSL or reported in the Human Gene Mutation Database (HGMD: prior to June 1st, 2018), and was therefore a candidate for classification through an automated scoring system. Utilizing variant allele frequency, disease prevalence and penetrance estimates, and inheritance mode, an automated score was calculated to assess if this variant is too frequent to cause the disease. Based on the score and internal cut-off values, a variant classified as benign is not then subjected to further curation. The score for this variant resulted in a classification of benign for this disease.

Breakthrough Genomics
Classification: Benign. Review status: criteria provided, single submitter. Criteria: ACMG Guidelines, 2015. Collection method: not provided. Allele origin: germline. Inheritance: Unknown mechanism. Affected: yes.

NM_001538.3(HSF4):c.-880G>C

Genes: FBXL8 (F-box and leucine rich repeat protein 8; plus strand), HSF4 (heat shock transcription factor 4; plus strand). Cytogenetic location: 16q22.1.
Variant type: single nucleotide variant.
Coding change: c.-880G>C on transcript NM_001538.3; 880 bases upstream of the start codon, G replaced by C.
Molecular consequence: missense variant (on NM_018378.3).
Genome position (GRCh38, 1-based): chr16:67,163,470, G>C. VCF-style: chr16-67163470-G-C. GRCh37 (hg19) VCF-style: chr16-67197373-G-C.
Other names: c.775G>C, p.Glu259Gln (NM_018378.3); short protein forms E259Q.
Identifiers: ClinVar variation 320163 (VCV000320163.8), dbSNP rs201429195, ClinGen allele CA8101547.